The following is an entry in ClinVar:

ClinVar aggregate classification (germline): Uncertain significance (1 of 4 stars; one submission).

Conditions:
Cardiovascular phenotype. Identifiers: MedGen CN230736.

gnomAD v4.1: 3 of 1,556,930 alleles (0.00019%); highest among the groups gnomAD compares: Non-Finnish European, 0.00026%; no homozygotes.

Submission:

Ambry Genetics
Classification: Uncertain significance for Cardiovascular phenotype. Last evaluated: 2025-08-19. Review status: criteria provided, single submitter. Criteria: Ambry Variant Classification Scheme 2023. Collection method: clinical testing. Allele origin: germline.
Comment: The p.L387V variant (also known as c.1159C>G), located in coding exon 11 of the MAP2K2 gene, results from a C to G substitution at nucleotide position 1159. The leucine at codon 387 is replaced by valine, an amino acid with highly similar properties. This amino acid position is conserved. In addition, this alteration is predicted to be tolerated by in silico analysis. Based on the available evidence, the clinical significance of this variant remains unclear.

NM_030662.4(MAP2K2):c.1159C>G (p.Leu387Val)

Gene: MAP2K2 (mitogen-activated protein kinase kinase 2; minus strand). Cytogenetic location: 19p13.3.
Variant type: single nucleotide variant.
Coding change: c.1159C>G on transcript NM_030662.4 (MANE Select); coding-DNA position 1159, C replaced by G.
Protein change: p.Leu387Val; replaces leucine 387 with valine.
Molecular consequence: missense variant.
Genome position (GRCh38, 1-based): chr19:4,090,642, G>C on the plus strand (C>G on the coding strand, the complement: MAP2K2 is on the minus strand). VCF-style: chr19-4090642-G-C. GRCh37 (hg19) VCF-style: chr19-4090640-G-C.
Other names: c.880C>G, p.Leu294Val (NM_001440688.1); c.589C>G, p.Leu197Val (NM_001440689.1); short protein forms L387V, L197V, L294V.
Identifiers: ClinVar variation 4103133 (VCV004103133.1).
Genomic context (GRCh38, chr19:4,090,642, plus strand): 5'-GGGAGCCCGGCCACTGTCACACGGCGGTGCGCGTGGGTGTGCCGGGCTGGTTCAGCCGCA[G>C]GGTTTTACACAACCAGCCGGCAAAATCCACTTCTTCCACCTCGGACCGCTTGATGAAGGT-3'
Protein context (NP_109587.1, residues 377-397): VDFAGWLCKT[Leu387Val]RLNQPGTPTR